The following is an entry in ClinVar:

NM_000117.3(EMD):c.419T>A (p.Leu140Ter)

Gene: EMD (emerin; plus strand). Cytogenetic location: Xq28.
Variant type: single nucleotide variant.
Coding change: c.419T>A on transcript NM_000117.3 (MANE Select); coding-DNA position 419, T replaced by A.
Protein change: p.Leu140Ter; replaces leucine 140 with a stop codon.
Molecular consequence: nonsense.
Genome position (GRCh38, 1-based): chrX:154,380,772, T>A. VCF-style: chrX-154380772-T-A. GRCh37 (hg19) VCF-style: chrX-153609132-T-A.
Other names: short protein forms L140*.
Identifiers: ClinVar variation 393234 (VCV000393234.5), dbSNP rs1057524848, ClinGen allele CA16608835.

ClinVar aggregate classification (germline): Pathogenic. Review status: criteria provided, multiple submitters, no conflicts (2 of 4 stars). 3 submissions from 3 submitters: Pathogenic (3). Last evaluated 2026-01-09.

Conditions:
X-linked Emery-Dreifuss muscular dystrophy. Also called: Muscular dystrophy, tardive Emery-Dreifuss type, with contractures. Identifiers: Orphanet 261, Orphanet 98863, MedGen C0751337, MONDO:0010680.

Submissions (3):

Labcorp Genetics (formerly Invitae), Labcorp
Classification: Pathogenic for X-linked Emery-Dreifuss muscular dystrophy. Last evaluated: 2026-01-09. Review status: criteria provided, single submitter. Criteria: Invitae Variant Classification Sherloc (09022015). Collection method: clinical testing. Allele origin: germline.
Comment: This sequence change creates a premature translational stop signal (p.Leu140*) in the EMD gene. While this is not anticipated to result in nonsense mediated decay, it is expected to disrupt the last 115 amino acid(s) of the EMD protein. This variant is not present in population databases (gnomAD no frequency). This variant has not been reported in the literature in individuals affected with EMD-related conditions. ClinVar contains an entry for this variant (Variation ID: 393234). This variant disrupts a region of the EMD protein in which other variant(s) (p.Trp226*) have been determined to be pathogenic (PMID: 8589715, 15967842). This suggests that this is a clinically significant region of the protein, and that variants that disrupt it are likely to be disease-causing. For these reasons, this variant has been classified as Pathogenic.

GeneDx
Classification: Pathogenic. Last evaluated: 2017-02-02. Review status: criteria provided, single submitter. Criteria: GeneDx Variant Classification (06012015). Collection method: clinical testing. Allele origin: germline. Affected: yes.
Comment: The novel L140X variant in the EMD gene has not been reported as a pathogenic or benign to our knowledge. L140X is predicted to cause loss of normal protein function either by protein truncation or nonsense-mediated mRNA decay. Other downstream nonsense variants in the EMD gene have been reported in Human Gene Mutation Database in association with EDMD (Stenson et al., 2014). Furthermore, the L140X variant is not observed in large population cohorts (Lek et al., 2016; 1000 Genomes Consortium et al., 2015; Exome Variant Server)

Molecular Diagnostics Lab, Nemours Children's Health, Delaware
Classification: Pathogenic. Last evaluated: 2016-07-20. Review status: criteria provided, single submitter. Criteria: ACMG Guidelines, 2015. Collection method: clinical testing. Allele origin: maternal. Affected: yes. Observed: 2 heterozygotes.

Literature cited by the submitters: PubMed 8589715 (cited by Labcorp Genetics (formerly Invitae), Labcorp); PubMed 15967842 (cited by Labcorp Genetics (formerly Invitae), Labcorp).